The following is an entry in ClinVar:

ClinVar aggregate classification (germline): Uncertain significance (1 of 4 stars; one submission).

Allele frequency attached by ClinVar (database versions not stated): TOPMed below 0.00001; gnomAD 0.00001; gnomAD exomes 0.00001.
gnomAD v4.1: 8 of 1,610,070 alleles (0.0005%); highest among the groups gnomAD compares: Non-Finnish European, 0.00034%; no homozygotes.

Submission:

Labcorp Genetics (formerly Invitae), Labcorp
Classification: Uncertain significance. Last evaluated: 2023-02-08. Review status: criteria provided, single submitter. Criteria: Invitae Variant Classification Sherloc (09022015). Collection method: clinical testing. Allele origin: germline.
Comment: This sequence change replaces asparagine, which is neutral and polar, with serine, which is neutral and polar, at codon 176 of the INPPL1 protein (p.Asn176Ser). The frequency data for this variant in the population databases is considered unreliable, as metrics indicate poor data quality at this position in the gnomAD database. This variant has not been reported in the literature in individuals affected with INPPL1-related conditions. Algorithms developed to predict the effect of missense changes on protein structure and function (SIFT, PolyPhen-2, Align-GVGD) all suggest that this variant is likely to be tolerated. In summary, the available evidence is currently insufficient to determine the role of this variant in disease. Therefore, it has been classified as a Variant of Uncertain Significance.

NM_001567.4(INPPL1):c.527A>G (p.Asn176Ser)

Gene: INPPL1 (inositol polyphosphate phosphatase like 1; plus strand). Cytogenetic location: 11q13.4.
Variant type: single nucleotide variant.
Coding change: c.527A>G on transcript NM_001567.4 (MANE Select); coding-DNA position 527, A replaced by G.
Protein change: p.Asn176Ser; replaces asparagine 176 with serine.
Molecular consequence: missense variant.
Genome position (GRCh38, 1-based): chr11:72,229,098, A>G. VCF-style: chr11-72229098-A-G. GRCh37 (hg19) VCF-style: chr11-71940142-A-G.
Other names: short protein forms N176S.
Identifiers: ClinVar variation 2835597 (VCV002835597.3), dbSNP rs1438703369, ClinGen allele CA381719136.
Genomic context (GRCh38, chr11:72,229,098, plus strand): 5'-TGCTGGGACAGGTCAGCAGGACCTCCACTGACTTCTTAACCCCTCCCCAAAGTGCTCCCA[A>G]TGGGCTGAGCACCGTCTCGCACGACTACCTGAAAGGCAGCTATGGGCTGGACCTGGAAGC-3'
Protein context (NP_001558.3, residues 166-186): PTAPAAESAP[Asn176Ser]GLSTVSHDYL